The following is an entry in ClinVar:

NM_000236.3(LIPC):c.672_673delinsGT (p.Arg225Trp)

Gene: LIPC (lipase C, hepatic type; plus strand). Cytogenetic location: 15q21.3.
Variant type: Indel.
Coding change: c.672_673delinsGT on transcript NM_000236.3 (MANE Select); coding-DNA positions 672 to 673, CC replaced by GT.
Protein change: p.Arg225Trp; replaces arginine 225 with tryptophan.
Molecular consequence: missense variant.
Genome position (GRCh38, 1-based): chr15:58,545,839-58,545,840, CC replaced by GT. VCF-style: chr15-58545839-CC-GT. GRCh37 (hg19) VCF-style: chr15-58838038-CC-GT.
Other names: short protein forms R225W.
Identifiers: ClinVar variation 1450514 (VCV001450514.6), dbSNP rs2140921937, ClinGen allele CA2573151018.

ClinVar aggregate classification (germline): Uncertain significance (1 of 4 stars; one submission).

Submission:

Labcorp Genetics (formerly Invitae), Labcorp
Classification: Uncertain significance. Last evaluated: 2025-11-06. Review status: criteria provided, single submitter. Criteria: Invitae Variant Classification Sherloc (09022015). Collection method: clinical testing. Allele origin: germline.
Comment: This sequence change replaces arginine, which is basic and polar, with tryptophan, which is neutral and slightly polar, at codon 225 of the LIPC protein (p.Arg225Trp). Information on the frequency of this variant in the gnomAD database is not available, as this variant may be reported differently in the database. This missense change has been observed in individual(s) with dyslipidemia (PMID: 36325899). ClinVar contains an entry for this variant (Variation ID: 1450514). Experimental studies and prediction algorithms are not available or were not evaluated, and the functional significance of this variant is currently unknown. In summary, the available evidence is currently insufficient to determine the role of this variant in disease. Therefore, it has been classified as a Variant of Uncertain Significance.

Literature cited by the submitters: PubMed 36325899.